The following is an entry in ClinVar:

ClinVar aggregate classification (germline): Benign/Likely benign. Review status: criteria provided, multiple submitters, no conflicts (2 of 4 stars). 8 submissions from 8 submitters: Benign (5); Likely benign (2). 1 of the submissions does not count toward it. Last evaluated 2026-02-02.

Conditions:
D-2-hydroxyglutaric aciduria 1 (D2HGA1). Identifiers: Orphanet 79315, MedGen C3152055, MONDO:0024554, OMIM 600721.

Allele frequency attached by ClinVar (database versions not stated): 1000 Genomes Project 30x 0.22564; 1000 Genomes Project 0.22644; TOPMed 0.26142; gnomAD 0.27216 and 0.27302; ESP Exome Variant Server 0.27360.

Submissions (8):

Labcorp Genetics (formerly Invitae), Labcorp
Classification: Benign for D-2-hydroxyglutaric aciduria 1. Last evaluated: 2026-02-02. Review status: criteria provided, single submitter. Criteria: Invitae Variant Classification Sherloc (09022015). Collection method: clinical testing. Allele origin: germline.

Blueprint Genetics
Classification: Benign. Last evaluated: 2024-11-26. Review status: criteria provided, single submitter. Criteria: ACMG Guidelines, 2015. Collection method: clinical testing. Allele origin: germline.

Genome-Nilou Lab
Classification: Benign for D-2-hydroxyglutaric aciduria 1. Last evaluated: 2021-07-30. Review status: criteria provided, single submitter. Criteria: ACMG Guidelines, 2015. Collection method: clinical testing. Allele origin: germline. Affected: no.

GeneDx
Classification: Benign. Last evaluated: 2021-05-04. Review status: criteria provided, single submitter. Criteria: GeneDx Variant Classification Process June 2021. Collection method: clinical testing. Allele origin: germline. Affected: yes.

Illumina Laboratory Services, Illumina
Classification: Benign for D-2-hydroxyglutaric aciduria 1. Last evaluated: 2018-01-13. Review status: criteria provided, single submitter. Criteria: ICSL Variant Classification Criteria 13 December 2019. Collection method: clinical testing. Allele origin: germline.
Comment: This variant was observed in the ICSL laboratory as part of a predisposition screen in an ostensibly healthy population. It had not been previously curated by ICSL or reported in the Human Gene Mutation Database (HGMD: prior to June 1st, 2018), and was therefore a candidate for classification through an automated scoring system. Utilizing variant allele frequency, disease prevalence and penetrance estimates, and inheritance mode, an automated score was calculated to assess if this variant is too frequent to cause the disease. Based on the score and internal cut-off values, a variant classified as benign is not then subjected to further curation. The score for this variant resulted in a classification of benign for this disease.

Genetic Services Laboratory, University of Chicago
Classification: Likely benign. Last evaluated: 2013-10-31. Review status: criteria provided, single submitter. Criteria: ACMG Guidelines, 2007. Collection method: clinical testing. Allele origin: germline. Inheritance: Autosomal recessive inheritance.
Comment: Likely benign based on allele frequency in 1000 Genomes Project or ESP global frequency and its presence in a patient with a rare or unrelated disease phenotype. NOT Sanger confirmed

Breakthrough Genomics
Classification: Likely benign. Review status: criteria provided, single submitter. Criteria: ACMG Guidelines, 2015. Collection method: not provided. Allele origin: germline. Inheritance: Autosomal recessive inheritance. Affected: yes.

Mayo Clinic Laboratories, Mayo Clinic
Classification: Benign. Last evaluated: 2016-02-15. Review status: no assertion criteria provided. Collection method: clinical testing. Allele origin: unknown. Not counted in ClinVar's aggregate classification.

NM_152783.5(D2HGDH):c.164G>A (p.Arg55Gln)

Genes: D2HGDH (D-2-hydroxyglutarate dehydrogenase; plus strand), LOC129936032 (ATAC-STARR-seq lymphoblastoid silent region 12559; plus strand). Cytogenetic location: 2q37.3.
Variant type: single nucleotide variant.
Coding change: c.164G>A on transcript NM_152783.5 (MANE Select); coding-DNA position 164, G replaced by A.
Protein change: p.Arg55Gln; replaces arginine 55 with glutamine.
Molecular consequence: missense variant. On other transcripts: 5 prime UTR variant (1), non-coding transcript variant (1), intron variant (1).
Genome position (GRCh38, 1-based): chr2:241,735,388, G>A. VCF-style: chr2-241735388-G-A. GRCh37 (hg19) VCF-style: chr2-242674803-G-A.
Other names: c.-381G>A (NM_001352824.2); c.-111+693G>A (NM_001287249.2); short protein forms R55Q.
Identifiers: ClinVar variation 158414 (VCV000158414.29), dbSNP rs77940364, ClinGen allele CA171831.